The following is an entry in ClinVar:

ClinVar aggregate classification (germline): Likely pathogenic (0 of 4 stars; one submission).

Conditions:
TSPEAR-related disorder. Also called: TSPEAR-related condition.

Submission:

PreventionGenetics, part of Exact Sciences
Classification: Likely pathogenic for TSPEAR-related condition. Last evaluated: 2023-11-06. Review status: no assertion criteria provided. Collection method: clinical testing. Allele origin: germline.
Comment: The TSPEAR c.453_468del16 variant is predicted to result in a frameshift and premature protein termination (p.Leu152Glyfs*25). To our knowledge, this variant has not been reported in the literature or in a large population database, indicating this variant is rare. Frameshift variants in TSPEAR are expected to be pathogenic. This variant is interpreted as likely pathogenic.

NM_144991.3(TSPEAR):c.453_468del (p.Leu152fs)

Gene: TSPEAR (thrombospondin type laminin G domain and EAR repeats; minus strand). Cytogenetic location: 21q22.3.
Variant type: Deletion.
Coding change: c.453_468del on transcript NM_144991.3 (MANE Select); coding-DNA positions 453 to 468, 16 bases deleted (CCTGGTGGATGGCCGC).
Protein change: p.Leu152fs; shifts the reading frame from leucine 152.
Molecular consequence: frameshift variant.
Genome position (GRCh38, 1-based): chr21:44,533,759-44,533,774, GCGGCCATCCACCAGG deleted on the plus strand (CCTGGTGGATGGCCGC on the coding strand, the reverse complement: TSPEAR is on the minus strand); deleting any 16 consecutive bases within chr21:44,533,759-44,533,776 gives the same sequence; the c. name uses the placement nearest the transcript's 3' end. VCF-style (leftmost placement, unchanged base first): chr21-44533758-AGCGGCCATCCACCAGG-A. GRCh37 (hg19) VCF-style: chr21-45953641-AGCGGCCATCCACCAGG-A.
Other names: c.249_264del, p.Leu84fs (NM_001272037.2); short protein forms L152fs, L84fs.
Identifiers: ClinVar variation 3032621 (VCV003032621.2), dbSNP rs2517395250, ClinGen allele CA2740094722.